The following is an entry in ClinVar:

NM_001349253.2(SCN11A):c.1566A>G (p.Ala522=)

Gene: SCN11A (sodium voltage-gated channel alpha subunit 11; minus strand). Cytogenetic location: 3p22.2.
Variant type: single nucleotide variant.
Coding change: c.1566A>G on transcript NM_001349253.2 (MANE Select); coding-DNA position 1566, A replaced by G.
Protein change: p.Ala522=; no amino-acid change (alanine 522 retained).
Molecular consequence: synonymous variant.
Genome position (GRCh38, 1-based): chr3:38,905,229, T>C on the plus strand (A>G on the coding strand, the complement: SCN11A is on the minus strand). VCF-style: chr3-38905229-T-C. GRCh37 (hg19) VCF-style: chr3-38946720-T-C.
Other names: c.1566A>G, p.Ala522= (NM_014139.3).
Identifiers: ClinVar variation 474689 (VCV000474689.15), dbSNP rs189347290, ClinGen allele CA2322270.

ClinVar aggregate classification (germline): Likely benign. Review status: criteria provided, multiple submitters, no conflicts (2 of 4 stars). 3 submissions from 3 submitters: Likely benign (3). Last evaluated 2025-12-31.

Conditions:
SCN11A-related disorder. Also called: SCN11A-related condition.
Inborn genetic diseases. Identifiers: MedGen C0950123, MeSH D030342.
Hereditary sensory and autonomic neuropathy type 7. Also called: HSAN VII; Neuropathy, hereditary sensory and autonomic, type VII. Identifiers: Orphanet 391397, MedGen C3809882, MONDO:0014244, OMIM 615548.
Familial episodic pain syndrome with predominantly lower limb involvement. Also called: Episodic pain syndrome, familial, 3. Identifiers: Orphanet 391384, Orphanet 391392, MedGen C3809899, MONDO:0014247, OMIM 615552.

Allele frequency attached by ClinVar (database versions not stated): gnomAD exomes 0.00003 and 0.00005; gnomAD 0.00004 and 0.00005; TOPMed 0.00004; ExAC 0.00006; 1000 Genomes Project 0.00040; 1000 Genomes Project 30x 0.00047.
gnomAD v4.1: 54 of 1,614,100 alleles (0.0033%); highest among the groups gnomAD compares: Middle Eastern, 0.017%; no homozygotes.

Submissions (3):

Labcorp Genetics (formerly Invitae), Labcorp
Classification: Likely benign for Familial episodic pain syndrome with predominantly lower limb involvement; Hereditary sensory and autonomic neuropathy type 7. Last evaluated: 2025-12-31. Review status: criteria provided, single submitter. Criteria: Invitae Variant Classification Sherloc (09022015). Collection method: clinical testing. Allele origin: germline.

PreventionGenetics, part of Exact Sciences
Classification: Likely benign for SCN11A-related condition. Last evaluated: 2025-12-17. Review status: criteria provided, single submitter. Criteria: ACMG Guidelines, 2015. Collection method: clinical testing. Allele origin: germline.
Comment: This variant is classified as likely benign based on ACMG/AMP sequence variant interpretation guidelines (Richards et al. 2015 PMID: 25741868, with internal and published modifications).

Ambry Genetics
Classification: Likely benign for Inborn genetic diseases. Last evaluated: 2019-07-11. Review status: criteria provided, single submitter. Criteria: Ambry Variant Classification Scheme 2023. Collection method: clinical testing. Allele origin: germline.